The following is an entry in ClinVar:

NM_000161.3(GCH1):c.556A>C (p.Thr186Pro)

Gene: GCH1 (GTP cyclohydrolase 1; minus strand). Cytogenetic location: 14q22.2.
Variant type: single nucleotide variant.
Coding change: c.556A>C on transcript NM_000161.3 (MANE Select); coding-DNA position 556, A replaced by C.
Protein change: p.Thr186Pro; replaces threonine 186 with proline.
Molecular consequence: missense variant.
Genome position (GRCh38, 1-based): chr14:54,845,838, T>G on the plus strand (A>C on the coding strand, the complement: GCH1 is on the minus strand). VCF-style: chr14-54845838-T-G. GRCh37 (hg19) VCF-style: chr14-55312556-T-G.
Other names: c.556A>C, p.Thr186Pro (NM_001024024.2, NM_001024070.2, NM_001024071.2); short protein forms T186P.
Identifiers: ClinVar variation 2498594 (VCV002498594.28), dbSNP rs2039635021, ClinGen allele CA389787396.

ClinVar aggregate classification (germline): Likely pathogenic (1 of 4 stars; one submission).

Submission:

CeGaT Center for Human Genetics Tuebingen
Classification: Likely pathogenic. Last evaluated: 2023-01-01. Review status: criteria provided, single submitter. Criteria: CeGaT Center For Human Genetics Tuebingen Variant Classification Criteria Version 2. Collection method: clinical testing. Allele origin: germline. Affected: yes. Observed: 1 variant allele.
Comment: GCH1: PM1, PM2, PM5, PP4